The following is an entry in ClinVar:

NM_213599.3(ANO5):c.696G>A (p.Lys232=)

Gene: ANO5 (anoctamin 5; plus strand). Cytogenetic location: 11p14.3.
Variant type: single nucleotide variant.
Coding change: c.696G>A on transcript NM_213599.3 (MANE Select); coding-DNA position 696, G replaced by A.
Protein change: p.Lys232=; no amino-acid change (lysine 232 retained).
Molecular consequence: synonymous variant.
Genome position (GRCh38, 1-based): chr11:22,236,210, G>A. VCF-style: chr11-22236210-G-A. GRCh37 (hg19) VCF-style: chr11-22257756-G-A.
Other names: c.693G>A, p.Lys231= (NM_001142649.2).
Identifiers: ClinVar variation 290675 (VCV000290675.9), dbSNP rs773606619, ClinGen allele CA5922996.

ClinVar aggregate classification (germline): Uncertain significance. Review status: criteria provided, multiple submitters, no conflicts (2 of 4 stars). 2 submissions from 2 submitters: Uncertain significance (2). Last evaluated 2025-12-20.

Conditions:
Autosomal recessive limb-girdle muscular dystrophy type 2L (LGMDR12). Also called: Limb-girdle muscular dystrophy, type 2L; Limb-Girdle Muscular Dystrophy R12 Anoctamin-5-Related (LGMD-R12); MUSCULAR DYSTROPHY, LIMB-GIRDLE, AUTOSOMAL RECESSIVE 12. Identifiers: Orphanet 206549, MedGen C1969785, MONDO:0012652, OMIM 611307.
Gnathodiaphyseal dysplasia (GDD). Also called: GNATHODIAPHYSEAL SCLEROSIS; OSTEOGENESIS IMPERFECTA WITH UNUSUAL SKELETAL LESIONS. Identifiers: Orphanet 53697, MedGen C1833736, MONDO:0008151, OMIM 166260.

Allele frequency attached by ClinVar (database versions not stated): gnomAD exomes below 0.00001 and 0.00002; ExAC 0.00001; TOPMed 0.00001; gnomAD 0.00003.
gnomAD v4.1: 27 of 1,613,338 alleles (0.0017%); highest among the groups gnomAD compares: African/African-American, 0.004%; no homozygotes.

Submissions (2):

Labcorp Genetics (formerly Invitae), Labcorp
Classification: Uncertain significance for Autosomal recessive limb-girdle muscular dystrophy type 2L; Gnathodiaphyseal dysplasia. Last evaluated: 2025-12-20. Review status: criteria provided, single submitter. Criteria: Invitae Variant Classification Sherloc (09022015). Collection method: clinical testing. Allele origin: germline.
Comment: This sequence change affects codon 232 of the ANO5 mRNA. It is a 'silent' change, meaning that it does not change the encoded amino acid sequence of the ANO5 protein. This variant is present in population databases (rs773606619, gnomAD 0.007%). This variant has not been reported in the literature in individuals affected with ANO5-related conditions. ClinVar contains an entry for this variant (Variation ID: 290675). Algorithms developed to predict the effect of sequence changes on RNA splicing suggest that this variant may disrupt the consensus splice site. In summary, the available evidence is currently insufficient to determine the role of this variant in disease. Therefore, it has been classified as a Variant of Uncertain Significance.

Eurofins Ntd Llc (ga)
Classification: Uncertain significance. Last evaluated: 2016-09-21. Review status: criteria provided, single submitter. Criteria: EGL Classification Definitions 2015. Collection method: clinical testing. Allele origin: germline. Observed: 1 variant allele, 1 heterozygote.